The following is an entry in ClinVar:

ClinVar aggregate classification (germline): Uncertain significance (1 of 4 stars; one submission).

Allele frequency attached by ClinVar (database versions not stated): gnomAD 0.00012; 1000 Genomes Project 30x 0.00031; 1000 Genomes Project 0.00040.

Submission:

Labcorp Genetics (formerly Invitae), Labcorp
Classification: Uncertain significance. Last evaluated: 2022-06-04. Review status: criteria provided, single submitter. Criteria: Invitae Variant Classification Sherloc (09022015). Collection method: clinical testing. Allele origin: germline.
Comment: This sequence change affects the initiator methionine of the ALDH6A1 mRNA. The next in-frame methionine is located at codon 79. This variant is present in population databases (rs74062580, gnomAD 0.03%). This variant has not been reported in the literature in individuals affected with ALDH6A1-related conditions. Experimental studies and prediction algorithms are not available or were not evaluated, and the functional significance of this variant is currently unknown. In summary, the available evidence is currently insufficient to determine the role of this variant in disease. Therefore, it has been classified as a Variant of Uncertain Significance.

NM_005589.4(ALDH6A1):c.1A>G (p.Met1Val)

Gene: ALDH6A1 (aldehyde dehydrogenase 6 family member A1; minus strand). Cytogenetic location: 14q24.3.
Variant type: single nucleotide variant.
Coding change: c.1A>G on transcript NM_005589.4 (MANE Select); coding-DNA position 1, A replaced by G.
Protein change: p.Met1Val; changes the start codon (methionine 1).
Molecular consequence: missense variant, initiator codon variant. On other transcripts: 5 prime UTR variant (1).
Genome position (GRCh38, 1-based): chr14:74,084,394, T>C on the plus strand (A>G on the coding strand, the complement: ALDH6A1 is on the minus strand). VCF-style: chr14-74084394-T-C. GRCh37 (hg19) VCF-style: chr14-74551097-T-C.
Other names: c.1A>G, p.Met1Val (NM_001278593.2); c.-625A>G (NM_001278594.2); short protein forms M1V.
Identifiers: ClinVar variation 2197447 (VCV002197447.2), dbSNP rs74062580, ClinGen allele CA7266013.
Genomic context (GRCh38, chr14:74,084,394, plus strand): 5'-CACCCTCACTCGCCTGCAGGATCCGGGCTCGCACTGCCGCCGCCGCCAATAGCGCCGCCA[T>C]GGCTCTCGGCCGCCCTAGCTCCGCACCCCGCGCCTCTACTGCCCAGAAGCACTACAGCTG-3'
Protein context (NP_005580.1, residues 1-11): [Met1Val]AALLAAAAVR